The following is an entry in ClinVar:

NM_001378964.1(CDON):c.1977C>T (p.Ser659=)

Gene: CDON (cell adhesion associated, oncogene regulated; minus strand). Cytogenetic location: 11q24.2.
Variant type: single nucleotide variant.
Coding change: c.1977C>T on transcript NM_001378964.1 (MANE Select); coding-DNA position 1977, C replaced by T.
Protein change: p.Ser659=; no amino-acid change (serine 659 retained).
Molecular consequence: synonymous variant.
Genome position (GRCh38, 1-based): chr11:126,003,951, G>A on the plus strand (C>T on the coding strand, the complement: CDON is on the minus strand). VCF-style: chr11-126003951-G-A. GRCh37 (hg19) VCF-style: chr11-125873846-G-A.
Other names: c.1977C>T, p.Ser659= (NM_001243597.3, NM_016952.6).
Identifiers: ClinVar variation 303506 (VCV000303506.8), dbSNP rs563267429, ClinGen allele CA6351889.

ClinVar aggregate classification (germline): Benign/Likely benign. Review status: criteria provided, multiple submitters, no conflicts (2 of 4 stars). 2 submissions from 2 submitters: Benign (1); Likely benign (1). Last evaluated 2023-05-25.

Conditions:
Holoprosencephaly 11 (HPE11). Identifiers: Orphanet 2162, MedGen C3280215, MONDO:0013642, OMIM 614226.

Allele frequency attached by ClinVar (database versions not stated): ExAC 0.00023; gnomAD 0.00004; TOPMed 0.00009; 1000 Genomes Project 30x 0.00016; 1000 Genomes Project 0.00020.
gnomAD v4.1: 75 of 1,614,030 alleles (0.0046%); highest among the groups gnomAD compares: East Asian, 0.08%; no homozygotes.

Submissions (2):

Labcorp Genetics (formerly Invitae), Labcorp
Classification: Benign for Holoprosencephaly 11. Last evaluated: 2023-05-25. Review status: criteria provided, single submitter. Criteria: Invitae Variant Classification Sherloc (09022015). Collection method: clinical testing. Allele origin: germline.

Illumina Laboratory Services, Illumina
Classification: Likely benign for Holoprosencephaly 11. Last evaluated: 2018-01-13. Review status: criteria provided, single submitter. Criteria: ICSL Variant Classification Criteria 13 December 2019. Collection method: clinical testing. Allele origin: germline.
Comment: This variant was observed in the ICSL laboratory as part of a predisposition screen in an ostensibly healthy population. It had not been previously curated by ICSL or reported in the Human Gene Mutation Database (HGMD: prior to June 1st, 2018), and was therefore a candidate for classification through an automated scoring system. Utilizing variant allele frequency, disease prevalence and penetrance estimates, and inheritance mode, an automated score was calculated to assess if this variant is too frequent to cause the disease. Based on the score and internal cut-off values, a variant classified as likely benign is not then subjected to further curation. The score for this variant resulted in a classification of likely benign for this disease.